The following is an entry in ClinVar:

ClinVar aggregate classification (germline): Uncertain significance (1 of 4 stars; one submission).

Submission:

Labcorp Genetics (formerly Invitae), Labcorp
Classification: Uncertain significance. Last evaluated: 2022-05-04. Review status: criteria provided, single submitter. Criteria: Invitae Variant Classification Sherloc (09022015). Collection method: clinical testing. Allele origin: germline.
Comment: This sequence change replaces aspartic acid, which is acidic and polar, with valine, which is neutral and non-polar, at codon 701 of the DDX58 protein (p.Asp701Val). This variant is not present in population databases (gnomAD no frequency). This variant has not been reported in the literature in individuals affected with DDX58-related conditions. Algorithms developed to predict the effect of missense changes on protein structure and function (SIFT, PolyPhen-2, Align-GVGD) all suggest that this variant is likely to be disruptive. In summary, the available evidence is currently insufficient to determine the role of this variant in disease. Therefore, it has been classified as a Variant of Uncertain Significance.

NM_014314.4(RIGI):c.2102A>T (p.Asp701Val)

Gene: RIGI (RNA sensor RIG-I; minus strand). Cytogenetic location: 9p21.1.
Variant type: single nucleotide variant.
Coding change: c.2102A>T on transcript NM_014314.4 (MANE Select); coding-DNA position 2102, A replaced by T.
Protein change: p.Asp701Val; replaces aspartic acid 701 with valine.
Molecular consequence: missense variant. On other transcripts: intron variant (1).
Genome position (GRCh38, 1-based): chr9:32,467,845, T>A on the plus strand (A>T on the coding strand, the complement: RIGI is on the minus strand). VCF-style: chr9-32467845-T-A. GRCh37 (hg19) VCF-style: chr9-32467843-T-A.
Other names: c.2096A>T, p.Asp699Val (NM_001385907.1); c.1661A>T, p.Asp554Val (NM_001385910.1); c.1493A>T, p.Asp498Val (NM_001385912.1); c.2087A>T, p.Asp696Val (NM_001385913.1); c.1658A>T, p.Asp553Val (NM_001385914.1); c.2015-1404A>T (NM_001385909.1); short protein forms D554V, D699V, D701V, D498V, D553V, D696V.
Identifiers: ClinVar variation 1941520 (VCV001941520.5), dbSNP rs376791494, ClinGen allele CA373146160.